The following is an entry in ClinVar:

NM_000352.6(ABCC8):c.4227C>T (p.Ile1409=)

Gene: ABCC8 (ATP binding cassette subfamily C member 8; minus strand). Cytogenetic location: 11p15.1.
Variant type: single nucleotide variant.
Coding change: c.4227C>T on transcript NM_000352.6 (MANE Select); coding-DNA position 4227, C replaced by T.
Protein change: p.Ile1409=; no amino-acid change (isoleucine 1409 retained).
Molecular consequence: synonymous variant. On other transcripts: non-coding transcript variant (1).
Genome position (GRCh38, 1-based): chr11:17,395,690, G>A on the plus strand (C>T on the coding strand, the complement: ABCC8 is on the minus strand). VCF-style: chr11-17395690-G-A. GRCh37 (hg19) VCF-style: chr11-17417237-G-A.
Other names: c.4230C>T, p.Ile1410= (NM_001287174.3); c.4293C>T, p.Ile1431= (NM_001351295.2); c.4227C>T, p.Ile1409= (NM_001351296.2); c.4224C>T, p.Ile1408= (NM_001351297.2).
Identifiers: ClinVar variation 743591 (VCV000743591.17), dbSNP rs146584228, ClinGen allele CA5902527.

ClinVar aggregate classification (germline): Conflicting classifications of pathogenicity. Review status: criteria provided, conflicting classifications (1 of 4 stars). 7 submissions from 6 submitters: Uncertain significance (2); Likely benign (3). 2 of the submissions do not count toward it. Last evaluated 2025-11-17.

Conditions:
Hereditary hyperinsulinism.
Inborn genetic diseases. Identifiers: MedGen C0950123, MeSH D030342.
Transitory neonatal diabetes mellitus. Also called: Transient neonatal diabetes mellitus. Identifiers: MedGen C0342273, MONDO:0020525, HP:0008255.
Maturity-onset diabetes of the young (MODY). Also called: Maturity onset diabetes mellitus in young. Identifiers: Orphanet 552, MedGen C0342276, MONDO:0018911, HP:0004904.
ABCC8-related disorder.

Allele frequency attached by ClinVar (database versions not stated): gnomAD exomes 0.00002 and 0.00004; TOPMed 0.00006; ExAC 0.00009; gnomAD 0.00010; 1000 Genomes Project 30x 0.00016; ESP Exome Variant Server 0.00016; 1000 Genomes Project 0.00020.
gnomAD v4.1: 48 of 1,558,596 alleles (0.0031%); highest among the groups gnomAD compares: African/African-American, 0.035%; no homozygotes.

Submissions (7):

Labcorp Genetics (formerly Invitae), Labcorp
Classification: Likely benign. Last evaluated: 2025-11-17. Review status: criteria provided, single submitter. Criteria: Invitae Variant Classification Sherloc (09022015). Collection method: clinical testing. Allele origin: germline.

Ambry Genetics
Classification: Likely benign for Inborn genetic diseases. Last evaluated: 2022-04-29. Review status: criteria provided, single submitter. Criteria: Ambry Variant Classification Scheme 2023. Collection method: clinical testing. Allele origin: germline.

Blueprint Genetics
Classification: Likely benign. Last evaluated: 2021-12-13. Review status: criteria provided, single submitter. Criteria: ACMG Guidelines, 2015. Collection method: clinical testing. Allele origin: germline.

Clinical Genomics, Uppaluri K&H Personalized Medicine Clinic
Classification: Uncertain significance for Transitory neonatal diabetes mellitus. Review status: criteria provided, single submitter. Criteria: K & H Uppaluri Personalized Medicine Clinic Variant Classification & Assertion Criteria_Updated V.1. Collection method: research. Allele origin: somatic. Inheritance: Somatic mutation.
Comment: Mutations in ABCC8 gene are associated with both neonatal diabetes mellitus as well as MODY. Patients with this mutation may have a better response to sulfonylureas. However, no sufficient evidence is found to ascertain the role of this particular variant (rs146584228) in neonatal diabetes yet.

Clinical Genomics, Uppaluri K&H Personalized Medicine Clinic
Classification: Uncertain significance for Maturity-onset diabetes of the young. Review status: criteria provided, single submitter. Criteria: K & H Uppaluri Personalized Medicine Clinic Variant Classification & Assertion Criteria_Updated V.1. Collection method: research. Allele origin: somatic. Inheritance: Somatic mutation.
Comment: Mutations in ABCC8 gene are associated with both neonatal diabetes mellitus as well as MODY. Patients with this mutation may have a better response to sulfonylureas. However, no sufficient evidence is found to ascertain the role of this particular variant (rs146584228) in MODY yet.

Natera, Inc.
Classification: Uncertain significance for Hereditary hyperinsulinism. Last evaluated: 2020-04-10. Review status: no assertion criteria provided. Collection method: clinical testing. Allele origin: germline. Not counted in ClinVar's aggregate classification.

PreventionGenetics, part of Exact Sciences
Classification: Likely benign for ABCC8-related condition. Last evaluated: 2019-06-07. Review status: no assertion criteria provided. Collection method: clinical testing. Allele origin: germline. Not counted in ClinVar's aggregate classification.
Comment: This variant is classified as likely benign based on ACMG/AMP sequence variant interpretation guidelines (Richards et al. 2015 PMID: 25741868, with internal and published modifications).

Literature cited by the submitters: PubMed 16885549 (cited by Clinical Genomics, Uppaluri K&H Personalized Medicine Clinic); PubMed 21989597 (cited by Clinical Genomics, Uppaluri K&H Personalized Medicine Clinic); PubMed 27538677 (cited by Clinical Genomics, Uppaluri K&H Personalized Medicine Clinic); PubMed 18981553 (cited by Clinical Genomics, Uppaluri K&H Personalized Medicine Clinic); PubMed 32027066 (cited by Clinical Genomics, Uppaluri K&H Personalized Medicine Clinic); PubMed 16613899 (cited by Clinical Genomics, Uppaluri K&H Personalized Medicine Clinic); PubMed 18025408 (cited by Clinical Genomics, Uppaluri K&H Personalized Medicine Clinic); PubMed 32792356 (cited by Clinical Genomics, Uppaluri K&H Personalized Medicine Clinic).